The following is an entry in ClinVar:

ClinVar aggregate classification (germline): Uncertain significance (1 of 4 stars; one submission).

Allele frequency attached by ClinVar (database versions not stated): TOPMed below 0.00001; ExAC 0.00001; gnomAD 0.00001; gnomAD exomes 0.00002.
gnomAD v4.1: 30 of 1,614,084 alleles (0.0019%); highest among the groups gnomAD compares: Non-Finnish European, 0.0025%; no homozygotes.

Submission:

Labcorp Genetics (formerly Invitae), Labcorp
Classification: Uncertain significance. Last evaluated: 2022-03-11. Review status: criteria provided, single submitter. Criteria: Invitae Variant Classification Sherloc (09022015). Collection method: clinical testing. Allele origin: germline.
Comment: In summary, the available evidence is currently insufficient to determine the role of this variant in disease. Therefore, it has been classified as a Variant of Uncertain Significance. Algorithms developed to predict the effect of missense changes on protein structure and function (SIFT, PolyPhen-2, Align-GVGD) all suggest that this variant is likely to be tolerated. This variant has not been reported in the literature in individuals affected with EFTUD2-related conditions. This variant is present in population databases (rs774290949, gnomAD 0.0009%). This sequence change replaces threonine, which is neutral and polar, with isoleucine, which is neutral and non-polar, at codon 452 of the EFTUD2 protein (p.Thr452Ile).

NM_004247.4(EFTUD2):c.1355C>T (p.Thr452Ile)

Gene: EFTUD2 (elongation factor Tu GTP binding domain containing 2; minus strand). Cytogenetic location: 17q21.31.
Variant type: single nucleotide variant.
Coding change: c.1355C>T on transcript NM_004247.4 (MANE Select); coding-DNA position 1355, C replaced by T.
Protein change: p.Thr452Ile; replaces threonine 452 with isoleucine.
Molecular consequence: missense variant.
Genome position (GRCh38, 1-based): chr17:44,863,713, G>A on the plus strand (C>T on the coding strand, the complement: EFTUD2 is on the minus strand). VCF-style: chr17-44863713-G-A. GRCh37 (hg19) VCF-style: chr17-42941081-G-A.
Other names: c.1250C>T, p.Thr417Ile (NM_001142605.2); c.1355C>T, p.Thr452Ile (NM_001258353.2); c.1325C>T, p.Thr442Ile (NM_001258354.2); short protein forms T417I, T442I, T452I.
Identifiers: ClinVar variation 1974197 (VCV001974197.5), dbSNP rs774290949, ClinGen allele CA8607802.